The following is an entry in ClinVar:

NM_004006.3(DMD):c.5785G>A (p.Val1929Met)

Gene: DMD (dystrophin; minus strand). Cytogenetic location: Xp21.1.
Variant type: single nucleotide variant.
Coding change: c.5785G>A on transcript NM_004006.3 (MANE Select); coding-DNA position 5785, G replaced by A.
Protein change: p.Val1929Met; replaces valine 1929 with methionine.
Molecular consequence: missense variant.
Genome position (GRCh38, 1-based): chrX:32,342,237, C>T on the plus strand (G>A on the coding strand, the complement: DMD is on the minus strand). VCF-style: chrX-32342237-C-T. GRCh37 (hg19) VCF-style: chrX-32360354-C-T.
Other names: c.5761G>A, p.Val1921Met (NM_000109.4); c.5773G>A, p.Val1925Met (NM_004009.3); c.5416G>A, p.Val1806Met (NM_004010.3); c.1762G>A, p.Val588Met (NM_004011.4); c.1753G>A, p.Val585Met (NM_004012.4); short protein forms V1921M, V585M, V588M, V1806M, V1925M, V1929M.
Identifiers: ClinVar variation 1749623 (VCV001749623.2), dbSNP rs794729004, ClinGen allele CA412665197.

ClinVar aggregate classification (germline): Uncertain significance (1 of 4 stars; one submission).

Conditions:
Cardiovascular phenotype. Identifiers: MedGen CN230736.

Submission:

Ambry Genetics
Classification: Uncertain significance for Cardiovascular phenotype. Last evaluated: 2021-01-15. Review status: criteria provided, single submitter. Criteria: Ambry Variant Classification Scheme 2023. Collection method: clinical testing. Allele origin: germline.
Comment: The p.V1929M variant (also known as c.5785G>A), located in coding exon 41 of the DMD gene, results from a G to A substitution at nucleotide position 5785. The valine at codon 1929 is replaced by methionine, an amino acid with highly similar properties. This amino acid position is highly conserved in available vertebrate species. In addition, the in silico prediction for this alteration is inconclusive. Since supporting evidence is limited at this time, the clinical significance of this alteration remains unclear.